The following is an entry in ClinVar:

ClinVar aggregate classification (germline): Pathogenic (1 of 4 stars; one submission).

Conditions:
WHIM syndrome 1 (WHIMS). Identifiers: Orphanet 51636, MedGen C5542296, MONDO:8000006, OMIM 193670.

Submission:

Research Department, X4 Pharmaceuticals (Austria) GmbH
Classification: Pathogenic for WHIM syndrome 1. Last evaluated: 2025-06-02. Review status: criteria provided, single submitter. Criteria: ACMG Guidelines, 2015. Collection method: curation, in vitro. Allele origin: germline, not applicable. Inheritance: Autosomal dominant inheritance. Affected: yes. Observed: 1 heterozygote.
Comment: This premature translational stop signal has been observed in individual(s) with CXCR4-related conditions (PMID: 35947323); the variant was observed to be de novo. This sequence change creates a premature translational stop signal (p.Ser346*) in the CXCR4 gene. This variant is located in a region of the CXCR4 protein where a significant number of CXCR4 nonsense and frameshift mutations have been reported in association with autosomal dominant WHIM syndrome (PMID: 31313072, 32784523, 35947323, 36089616). Experimental studies have shown that this premature translational stop signal affects CXCR4 function (PMID: 35947323). This variant is not present in population databases (gnomAD no frequency).

Literature cited by the submitters: PubMed 35947323.

NM_003467.3(CXCR4):c.1037_1040del (p.Glu345_Ser346insTer)

Gene: CXCR4 (C-X-C motif chemokine receptor 4; minus strand). Cytogenetic location: 2q22.1.
Variant type: Deletion.
Coding change: c.1037_1040del on transcript NM_003467.3 (MANE Select); coding-DNA positions 1037 to 1040, 4 bases deleted (CTTC; older notation c.1037_1040delCTTC).
Protein change: p.Glu345_Ser346insTer.
Molecular consequence: nonsense.
Genome position (GRCh38, 1-based): chr2:136,114,888-136,114,891, GAAG deleted on the plus strand (CTTC on the coding strand, the reverse complement: CXCR4 is on the minus strand). VCF-style (leftmost placement, unchanged base first): chr2-136114887-TGAAG-T. GRCh37 (hg19) VCF-style: chr2-136872457-TGAAG-T.
Other names: c.1049_1052del, p.Glu349_Ser350insTer (NM_001008540.2); c.1250_1253del, p.Glu416_Ser417insTer (NM_001348056.2); c.1136_1139del, p.Glu378_Ser379insTer (NM_001348059.2); c.992_995del, p.Glu330_Ser331insTer (NM_001348060.2).
Identifiers: ClinVar variation 3901266 (VCV003901266.1).